The following is an entry in ClinVar:

ClinVar aggregate classification (germline): Uncertain significance. Review status: criteria provided, multiple submitters, no conflicts (2 of 4 stars). 2 submissions from 2 submitters: Uncertain significance (2). Last evaluated 2024-09-10.

Allele frequency attached by ClinVar (database versions not stated): gnomAD exomes below 0.00001; gnomAD 0.00001.
gnomAD v4.1: 6 of 1,613,434 alleles (0.00037%); highest among the groups gnomAD compares: East Asian, 0.0022%; no homozygotes.

Submissions (2):

Blueprint Genetics
Classification: Uncertain significance. Last evaluated: 2024-09-10. Review status: criteria provided, single submitter. Criteria: ACMG Guidelines, 2015. Collection method: clinical testing. Allele origin: germline.

Labcorp Genetics (formerly Invitae), Labcorp
Classification: Uncertain significance. Last evaluated: 2022-05-30. Review status: criteria provided, single submitter. Criteria: Invitae Variant Classification Sherloc (09022015). Collection method: clinical testing. Allele origin: germline.
Comment: This sequence change replaces arginine, which is basic and polar, with tryptophan, which is neutral and slightly polar, at codon 338 of the ATAD1 protein (p.Arg338Trp). This variant is present in population databases (no rsID available, gnomAD 0.007%). This variant has not been reported in the literature in individuals affected with ATAD1-related conditions. ClinVar contains an entry for this variant (Variation ID: 1376616). Algorithms developed to predict the effect of missense changes on protein structure and function are either unavailable or do not agree on the potential impact of this missense change (SIFT: "Not Available"; PolyPhen-2: "Possibly Damaging"; Align-GVGD: "Not Available"). In summary, the available evidence is currently insufficient to determine the role of this variant in disease. Therefore, it has been classified as a Variant of Uncertain Significance.

NM_001321967.2(ATAD1):c.1012C>T (p.Arg338Trp)

Gene: ATAD1 (ATPase family AAA domain containing 1; minus strand). Cytogenetic location: 10q23.31.
Variant type: single nucleotide variant.
Coding change: c.1012C>T on transcript NM_001321967.2 (MANE Select); coding-DNA position 1012, C replaced by T.
Protein change: p.Arg338Trp; replaces arginine 338 with tryptophan.
Molecular consequence: missense variant. On other transcripts: non-coding transcript variant (1).
Genome position (GRCh38, 1-based): chr10:87,754,761, G>A on the plus strand (C>T on the coding strand, the complement: ATAD1 is on the minus strand). VCF-style: chr10-87754761-G-A. GRCh37 (hg19) VCF-style: chr10-89514518-G-A.
Other names: c.922C>T, p.Arg308Trp (NM_001321968.2); c.655C>T, p.Arg219Trp (NM_001321969.2); c.1012C>T, p.Arg338Trp (NM_032810.4); short protein forms R219W, R338W, R308W.
Identifiers: ClinVar variation 1376616 (VCV001376616.4), dbSNP rs1470602790, ClinGen allele CA377485790.